The following is an entry in ClinVar:

NM_004706.4(ARHGEF1):c.676A>G (p.Met226Val)

Gene: ARHGEF1 (Rho guanine nucleotide exchange factor 1; plus strand). Cytogenetic location: 19q13.2.
Variant type: single nucleotide variant.
Coding change: c.676A>G on transcript NM_004706.4 (MANE Select); coding-DNA position 676, A replaced by G.
Protein change: p.Met226Val; replaces methionine 226 with valine.
Molecular consequence: missense variant. On other transcripts: non-coding transcript variant (2).
Genome position (GRCh38, 1-based): chr19:41,894,238, A>G. VCF-style: chr19-41894238-A-G. GRCh37 (hg19) VCF-style: chr19-42398311-A-G.
Other names: c.676A>G, p.Met226Val (NM_001396000.1, NM_001396003.1, NM_001396006.1); c.577A>G, p.Met193Val (NM_001396002.1, NM_001396004.1, NM_198977.2); c.721A>G, p.Met241Val (NM_199002.2); short protein forms M193V, M226V, M241V.
Identifiers: ClinVar variation 1926998 (VCV001926998.5), dbSNP rs202012713, ClinGen allele CA9466025.
Genomic context (GRCh38, chr19:41,894,238, plus strand): 5'-GTTGAGCCCTCACTGTCCCTTCCCTACAGTGCTGCCGTGGTCAACGCCATTGGCCTGTAC[A>G]TGCGCCACCTTGGGGTGCGGACCAAGAGTGGAGACAAGAAGTCGGGGAGGAACTTCTTCC-3'
Protein context (NP_004697.2, residues 216-236): AAVVNAIGLY[Met226Val]RHLGVRTKSG

ClinVar aggregate classification (germline): Uncertain significance (1 of 4 stars; one submission).

Allele frequency attached by ClinVar (database versions not stated): TOPMed 0.00002; 1000 Genomes Project 30x 0.00031.
gnomAD v4.1: 27 of 1,558,100 alleles (0.0017%); highest among the groups gnomAD compares: Admixed American, 0.0039%; no homozygotes.

Submission:

Labcorp Genetics (formerly Invitae), Labcorp
Classification: Uncertain significance. Last evaluated: 2023-01-24. Review status: criteria provided, single submitter. Criteria: Invitae Variant Classification Sherloc (09022015). Collection method: clinical testing. Allele origin: germline.
Comment: This sequence change replaces methionine, which is neutral and non-polar, with valine, which is neutral and non-polar, at codon 241 of the ARHGEF1 protein (p.Met241Val). This variant is present in population databases (rs202012713, gnomAD 0.004%). This variant has not been reported in the literature in individuals affected with ARHGEF1-related conditions. Algorithms developed to predict the effect of missense changes on protein structure and function are either unavailable or do not agree on the potential impact of this missense change (SIFT: "Deleterious"; PolyPhen-2: "Benign"; Align-GVGD: "Class C0"). In summary, the available evidence is currently insufficient to determine the role of this variant in disease. Therefore, it has been classified as a Variant of Uncertain Significance.